The following is an entry in ClinVar:

NM_004667.6(HERC2):c.214A>G (p.Lys72Glu)

Gene: HERC2 (HECT and RLD domain containing E3 ubiquitin protein ligase 2; minus strand). Cytogenetic location: 15q13.1.
Variant type: single nucleotide variant.
Coding change: c.214A>G on transcript NM_004667.6 (MANE Select); coding-DNA position 214, A replaced by G.
Protein change: p.Lys72Glu; replaces lysine 72 with glutamic acid.
Molecular consequence: missense variant.
Genome position (GRCh38, 1-based): chr15:28,292,996, T>C on the plus strand (A>G on the coding strand, the complement: HERC2 is on the minus strand). VCF-style: chr15-28292996-T-C. GRCh37 (hg19) VCF-style: chr15-28538142-T-C.
Other names: short protein forms K72E.
Identifiers: ClinVar variation 2887479 (VCV002887479.3), dbSNP rs1395973176, ClinGen allele CA391390939.
Genomic context (GRCh38, chr15:28,292,996, plus strand): 5'-ATATAGGTGCAGGAGTTTCTTCTTCATCTTTTTTCTCTTTGTCATTCAGATCTTCTTTCT[T>C]TGTTCCACTTGGTTCGACACTATCATCTGCAGAATTAAAAATTTTTTAATCTGTCACCGC-3'
Protein context (NP_004658.3, residues 62-82): KDDSVEPSGT[Lys72Glu]KEDLNDKEKK

ClinVar aggregate classification (germline): Uncertain significance (1 of 4 stars; one submission).

Allele frequency attached by ClinVar (database versions not stated): gnomAD exomes 0.00001.
gnomAD v4.1: 14 of 1,610,974 alleles (0.00087%); highest among the groups gnomAD compares: Non-Finnish European, 0.0011%; no homozygotes.

Submission:

Labcorp Genetics (formerly Invitae), Labcorp
Classification: Uncertain significance. Last evaluated: 2023-12-14. Review status: criteria provided, single submitter. Criteria: Invitae Variant Classification Sherloc (09022015). Collection method: clinical testing. Allele origin: germline.
Comment: This sequence change replaces lysine, which is basic and polar, with glutamic acid, which is acidic and polar, at codon 72 of the HERC2 protein (p.Lys72Glu). The frequency data for this variant in the population databases is considered unreliable, as metrics indicate poor data quality at this position in the gnomAD database. This variant has not been reported in the literature in individuals affected with HERC2-related conditions. Advanced modeling of protein sequence and biophysical properties (such as structural, functional, and spatial information, amino acid conservation, physicochemical variation, residue mobility, and thermodynamic stability) performed at Invitae indicates that this missense variant is not expected to disrupt HERC2 protein function with a negative predictive value of 80%. In summary, the available evidence is currently insufficient to determine the role of this variant in disease. Therefore, it has been classified as a Variant of Uncertain Significance.